The following is an entry in ClinVar:

NM_004629.2(FANCG):c.395dup (p.Pro133fs)

Gene: FANCG (FA complementation group G; minus strand). Cytogenetic location: 9p13.3.
Variant type: Duplication.
Coding change: c.395dup on transcript NM_004629.2 (MANE Select); coding-DNA position 395, one base duplicated (T; older notation c.395dupT).
Protein change: p.Pro133fs; shifts the reading frame from proline 133.
Molecular consequence: frameshift variant.
Genome position (GRCh38, 1-based): chr9:35,078,256, A duplicated on the plus strand (T on the coding strand, the reverse complement: FANCG is on the minus strand). VCF-style (leftmost placement, unchanged base first): chr9-35078255-C-CA. GRCh37 (hg19) VCF-style: chr9-35078252-C-CA.
Other names: short protein forms P133fs.
Identifiers: ClinVar variation 1068804 (VCV001068804.7), dbSNP rs2131058481, ClinGen allele CA2499219871.

ClinVar aggregate classification (germline): Pathogenic (1 of 4 stars; one submission).

Conditions:
Fanconi anemia (FA). Also called: Fanconi's anemia. Identifiers: Orphanet 84, MedGen C0015625, MeSH D005199, MONDO:0019391.

Allele frequency attached by ClinVar (database versions not stated): gnomAD exomes below 0.00001.

Submission:

Labcorp Genetics (formerly Invitae), Labcorp
Classification: Pathogenic for Fanconi anemia. Last evaluated: 2020-03-03. Review status: criteria provided, single submitter. Criteria: Invitae Variant Classification Sherloc (09022015). Collection method: clinical testing. Allele origin: germline.
Comment: For these reasons, this variant has been classified as Pathogenic. Loss-of-function variants in FANCG are known to be pathogenic (PMID: 12552564). This variant has not been reported in the literature in individuals with FANCG-related conditions. This variant is not present in population databases (ExAC no frequency). This sequence change creates a premature translational stop signal (p.Pro133Alafs*22) in the FANCG gene. It is expected to result in an absent or disrupted protein product.

Literature cited by the submitters: PubMed 12552564.